The following is an entry in ClinVar:

NM_025114.4(CEP290):c.3285del (p.Phe1095fs)

Gene: CEP290 (centrosomal protein 290; minus strand). Cytogenetic location: 12q21.32.
Variant type: Deletion.
Coding change: c.3285del on transcript NM_025114.4 (MANE Select); coding-DNA position 3285, one base deleted (T; older notation c.3285delT).
Protein change: p.Phe1095fs; shifts the reading frame from phenylalanine 1095.
Molecular consequence: frameshift variant.
Genome position (GRCh38, 1-based): chr12:88,093,794, A deleted on the plus strand (T on the coding strand, the reverse complement: CEP290 is on the minus strand); the first of 4 consecutive A bases (chr12:88,093,794-88,093,797); deleting any one gives the same sequence. VCF-style (leftmost placement, unchanged base first): chr12-88093793-CA-C. GRCh37 (hg19) VCF-style: chr12-88487570-CA-C.
Other names: short protein forms F1095fs.
Identifiers: ClinVar variation 1405608 (VCV001405608.8), dbSNP rs1017496924, ClinGen allele CA241168590.

ClinVar aggregate classification (germline): Pathogenic/Likely pathogenic. Review status: criteria provided, multiple submitters, no conflicts (2 of 4 stars). 3 submissions from 3 submitters: Pathogenic (1); Likely pathogenic (2). Last evaluated 2023-11-18.

Conditions:
Joubert syndrome. Also called: CEREBELLOPARENCHYMAL DISORDER IV; JOUBERT-BOLTSHAUSER SYNDROME; Familial aplasia of the vermis. Identifiers: Orphanet 475, MedGen C5979921, MONDO:0018772.
Nephronophthisis. Also called: Juvenile Nephronophthisis. Identifiers: Orphanet 655, MedGen C0687120, MONDO:0019005, HP:0000090.
Meckel-Gruber syndrome. Also called: DYSENCEPHALIA SPLANCHNOCYSTICA; GRUBER SYNDROME; Dysencephalia splachnocystica. Identifiers: Orphanet 564, MedGen C0265215, MONDO:0018921.
Senior-Loken syndrome 6 (SLSN6). Identifiers: Orphanet 3156, MedGen C1857779, MONDO:0012433, OMIM 610189.
Joubert syndrome 5 (JBTS5). Identifiers: Orphanet 2318, MedGen C1857780, MONDO:0012432, OMIM 610188.
Bardet-Biedl syndrome 14 (BBS14). Identifiers: Orphanet 110, MedGen C2673874, MONDO:0014442, OMIM 615991.
Leber congenital amaurosis 10 (LCA10). Identifiers: Orphanet 65, MedGen C1857821, MONDO:0012723, OMIM 611755.
Meckel syndrome, type 4 (MKS4). Also called: MECKEL-GRUBER SYNDROME, TYPE 4. Identifiers: Orphanet 564, MedGen C1970161, MONDO:0012626, OMIM 611134.

Submissions (3):

Baylor Genetics
Classification: Likely pathogenic for Bardet-Biedl syndrome 14. Last evaluated: 2023-11-18. Review status: criteria provided, single submitter. Criteria: ACMG Guidelines, 2015. Collection method: clinical testing. Allele origin: unknown.

Fulgent Genetics
Classification: Likely pathogenic for Joubert syndrome 5; Senior-Loken syndrome 6; Meckel syndrome, type 4; Leber congenital amaurosis 10; Bardet-Biedl syndrome 14. Last evaluated: 2021-07-02. Review status: criteria provided, single submitter. Criteria: ACMG Guidelines, 2015. Collection method: clinical testing. Allele origin: unknown.

Labcorp Genetics (formerly Invitae), Labcorp
Classification: Pathogenic for Joubert syndrome; Meckel-Gruber syndrome; Nephronophthisis. Last evaluated: 2021-04-10. Review status: criteria provided, single submitter. Criteria: Invitae Variant Classification Sherloc (09022015). Collection method: clinical testing. Allele origin: germline.
Comment: This sequence change creates a premature translational stop signal (p.Phe1095Leufs*24) in the CEP290 gene. It is expected to result in an absent or disrupted protein product. Loss-of-function variants in CEP290 are known to be pathogenic (PMID: 16909394, 17345604, 20690115). For these reasons, this variant has been classified as Pathogenic. This variant has not been reported in the literature in individuals with CEP290-related conditions. This variant is not present in population databases (ExAC no frequency).

Literature cited by the submitters: PubMed 16909394 (cited by Labcorp Genetics (formerly Invitae), Labcorp); PubMed 17345604 (cited by Labcorp Genetics (formerly Invitae), Labcorp); PubMed 20690115 (cited by Labcorp Genetics (formerly Invitae), Labcorp).